The following is an entry in ClinVar:

NM_001079802.2(FKTN):c.1034A>G (p.Lys345Arg)

Gene: FKTN (fukutin; plus strand). Cytogenetic location: 9q31.2.
Variant type: single nucleotide variant.
Coding change: c.1034A>G on transcript NM_001079802.2 (MANE Select); coding-DNA position 1034, A replaced by G.
Protein change: p.Lys345Arg; replaces lysine 345 with arginine.
Molecular consequence: missense variant. On other transcripts: non-coding transcript variant (1).
Genome position (GRCh38, 1-based): chr9:105,618,082, A>G. VCF-style: chr9-105618082-A-G. GRCh37 (hg19) VCF-style: chr9-108380363-A-G.
Other names: c.1034A>G, p.Lys345Arg (NM_001198963.2, NM_001351496.2, NM_001351498.2 and 1 more transcripts); c.965A>G, p.Lys322Arg (NM_001351497.2); c.638A>G, p.Lys213Arg (NM_001351499.2, NM_001351500.2, NM_001351501.2 and 1 more transcripts); short protein forms K345R, K213R, K322R.
Identifiers: ClinVar variation 1772025 (VCV001772025.2), dbSNP rs2539712700, ClinGen allele CA374377655.

ClinVar aggregate classification (germline): Uncertain significance (1 of 4 stars; one submission).

Conditions:
Cardiovascular phenotype. Identifiers: MedGen CN230736.

Submission:

Ambry Genetics
Classification: Uncertain significance for Cardiovascular phenotype. Last evaluated: 2022-09-05. Review status: criteria provided, single submitter. Criteria: Ambry Variant Classification Scheme 2023. Collection method: clinical testing. Allele origin: germline.
Comment: The p.K345R variant (also known as c.1034A>G), located in coding exon 7 of the FKTN gene, results from an A to G substitution at nucleotide position 1034. The lysine at codon 345 is replaced by arginine, an amino acid with highly similar properties. This amino acid position is conserved. In addition, the in silico prediction for this alteration is inconclusive. Since supporting evidence is limited at this time, the clinical significance of this alteration remains unclear.